The following is an entry in ClinVar:

NM_000256.3(MYBPC3):c.927-2A>T

Gene: MYBPC3 (myosin binding protein C3; minus strand). Cytogenetic location: 11p11.2.
Variant type: single nucleotide variant.
Coding change: c.927-2A>T on transcript NM_000256.3 (MANE Select); the canonical splice acceptor site of the intron before coding-DNA position 927, A replaced by T.
Molecular consequence: splice acceptor variant.
Genome position (GRCh38, 1-based): chr11:47,346,372, T>A on the plus strand (A>T on the coding strand, the complement: MYBPC3 is on the minus strand). VCF-style: chr11-47346372-T-A. GRCh37 (hg19) VCF-style: chr11-47367923-T-A.
Identifiers: ClinVar variation 4682011 (VCV004682011.5).

ClinVar aggregate classification (germline): Pathogenic (1 of 4 stars; one submission).

Submission:

CeGaT Center for Human Genetics Tuebingen
Classification: Pathogenic. Last evaluated: 2025-12-01. Review status: criteria provided, single submitter. Criteria: CeGaT Center For Human Genetics Tuebingen Variant Classification Criteria Version 2. Collection method: clinical testing. Allele origin: germline. Affected: yes. Observed: 1 variant allele.
Comment: MYBPC3: PVS1, PM2, PS1:Supporting